The following is an entry in ClinVar:

ClinVar aggregate classification (germline): Benign (1 of 4 stars; one submission).

Allele frequency attached by ClinVar (database versions not stated): 1000 Genomes Project 30x 0.31246; 1000 Genomes Project 0.31689; TOPMed 0.37637; gnomAD 0.40823 and 0.41194.
gnomAD v4.1: 62,017 of 151,980 alleles (41%); highest among the groups gnomAD compares: Non-Finnish European, 50%; 13,846 homozygotes.

Submission:

GeneDx
Classification: Benign. Last evaluated: 2018-06-14. Review status: criteria provided, single submitter. Criteria: GeneDx Variant Classification (06012015). Collection method: clinical testing. Allele origin: germline. Affected: yes.
Comment: This variant is considered likely benign or benign based on one or more of the following criteria: it is a conservative change, it occurs at a poorly conserved position in the protein, it is predicted to be benign by multiple in silico algorithms, and/or has population frequency not consistent with disease.

NM_001005373.4(LRSAM1):c.72+172C>G

Gene: LRSAM1 (leucine rich repeat and sterile alpha motif containing 1; plus strand). Cytogenetic location: 9q33.3.
Variant type: single nucleotide variant.
Coding change: c.72+172C>G on transcript NM_001005373.4 (MANE Select); 172 bases into the intron after coding-DNA position 72, C replaced by G.
Molecular consequence: intron variant.
Genome position (GRCh38, 1-based): chr9:127,454,771, C>G. VCF-style: chr9-127454771-C-G. GRCh37 (hg19) VCF-style: chr9-130217050-C-G.
Other names: c.72+172C>G (NM_138361.5, NM_001384142.1, NM_001384143.1 and 2 more transcripts); c.-713+172C>G (NM_001384144.1).
Identifiers: ClinVar variation 683120 (VCV000683120.1), dbSNP rs2243509, ClinGen allele CA13000671.